The following is an entry in ClinVar:

NM_003072.5(SMARCA4):c.1253A>G (p.Gln418Arg)

Gene: SMARCA4 (SWI/SNF related BAF chromatin remodeling complex subunit ATPase 4; plus strand). Cytogenetic location: 19p13.2.
Variant type: single nucleotide variant.
Coding change: c.1253A>G on transcript NM_003072.5 (MANE Select); coding-DNA position 1253, A replaced by G.
Protein change: p.Gln418Arg; replaces glutamine 418 with arginine.
Molecular consequence: missense variant. On other transcripts: non-coding transcript variant (1).
Genome position (GRCh38, 1-based): chr19:10,991,157, A>G. VCF-style: chr19-10991157-A-G. GRCh37 (hg19) VCF-style: chr19-11101833-A-G.
Other names: c.1253A>G (NM_001128849.1); c.1253A>G, p.Gln418Arg (NM_001128844.3, NM_001128845.2, NM_001128846.2 and 6 more transcripts); short protein forms Q418R.
Identifiers: ClinVar variation 2420015 (VCV002420015.5), dbSNP rs1196607214, ClinGen allele CA404060487.

ClinVar aggregate classification (germline): Uncertain significance. Review status: criteria provided, multiple submitters, no conflicts (2 of 4 stars). 2 submissions from 2 submitters: Uncertain significance (2). Last evaluated 2024-10-14.

Conditions:
Hereditary cancer-predisposing syndrome. Also called: Hereditary Cancer Syndrome; Tumor predisposition; Neoplastic Syndromes, Hereditary; Hereditary neoplastic syndrome. Identifiers: Orphanet 140162, MedGen C0027672, MeSH D009386, MONDO:0015356.
Rhabdoid tumor predisposition syndrome 2 (RTPS2). Identifiers: Orphanet 231108, Orphanet 69077, MedGen C2750074, MONDO:0013224, OMIM 613325.

Submissions (2):

Ambry Genetics
Classification: Uncertain significance for Hereditary cancer-predisposing syndrome. Last evaluated: 2024-10-14. Review status: criteria provided, single submitter. Criteria: Ambry Variant Classification Scheme 2023. Collection method: clinical testing. Allele origin: germline.
Comment: The p.Q418R variant (also known as c.1253A>G), located in coding exon 7 of the SMARCA4 gene, results from an A to G substitution at nucleotide position 1253. The glutamine at codon 418 is replaced by arginine, an amino acid with highly similar properties. This amino acid position is conserved. In addition, the in silico prediction for this alteration is inconclusive. Based on the available evidence, the clinical significance of this variant remains unclear.

Labcorp Genetics (formerly Invitae), Labcorp
Classification: Uncertain significance for Rhabdoid tumor predisposition syndrome 2. Last evaluated: 2024-01-19. Review status: criteria provided, single submitter. Criteria: Invitae Variant Classification Sherloc (09022015). Collection method: clinical testing. Allele origin: germline.
Comment: This sequence change replaces glutamine, which is neutral and polar, with arginine, which is basic and polar, at codon 418 of the SMARCA4 protein (p.Gln418Arg). This variant is present in population databases (no rsID available, gnomAD 0.0009%). This variant has not been reported in the literature in individuals affected with SMARCA4-related conditions. ClinVar contains an entry for this variant (Variation ID: 2420015). Advanced modeling of protein sequence and biophysical properties (such as structural, functional, and spatial information, amino acid conservation, physicochemical variation, residue mobility, and thermodynamic stability) performed at Invitae indicates that this missense variant is not expected to disrupt SMARCA4 protein function with a negative predictive value of 95%. In summary, the available evidence is currently insufficient to determine the role of this variant in disease. Therefore, it has been classified as a Variant of Uncertain Significance.